The following is an entry in ClinVar:

NM_001367624.2(ZNF469):c.1056T>G (p.Ser352Arg)

Gene: ZNF469 (zinc finger protein 469; plus strand). Cytogenetic location: 16q24.2.
Variant type: single nucleotide variant.
Coding change: c.1056T>G on transcript NM_001367624.2 (MANE Select); coding-DNA position 1056, T replaced by G.
Protein change: p.Ser352Arg; replaces serine 352 with arginine.
Molecular consequence: missense variant.
Genome position (GRCh38, 1-based): chr16:88,428,526, T>G. VCF-style: chr16-88428526-T-G. GRCh37 (hg19) VCF-style: chr16-88494934-T-G.
Other names: NM_001127464.1:c.1056T>G; short protein forms S352R.
Identifiers: ClinVar variation 3476262 (VCV003476262.1).

ClinVar aggregate classification (germline): Uncertain significance (1 of 4 stars; one submission).

Conditions:
Cardiovascular phenotype. Identifiers: MedGen CN230736.

Submission:

Ambry Genetics
Classification: Uncertain significance for Cardiovascular phenotype. Last evaluated: 2024-11-02. Review status: criteria provided, single submitter. Criteria: Ambry Variant Classification Scheme 2023. Collection method: clinical testing. Allele origin: germline.
Comment: The p.S352R variant (also known as c.1056T>G), located in coding exon 1 of the ZNF469 gene, results from a T to G substitution at nucleotide position 1056. The serine at codon 352 is replaced by arginine, an amino acid with dissimilar properties. This amino acid position is conserved. In addition, this alteration is predicted to be tolerated by in silico analysis. Based on the available evidence, the clinical significance of this variant remains unclear.